The following is an entry in ClinVar:

NM_001351169.2(NT5C2):c.44T>C (p.Met15Thr)

Gene: NT5C2 (5'-nucleotidase, cytosolic II; minus strand). Cytogenetic location: 10q24.33.
Variant type: single nucleotide variant.
Coding change: c.44T>C on transcript NM_001351169.2 (MANE Select); coding-DNA position 44, T replaced by C.
Protein change: p.Met15Thr; replaces methionine 15 with threonine.
Molecular consequence: missense variant. On other transcripts: 5 prime UTR variant (20).
Genome position (GRCh38, 1-based): chr10:103,174,915, A>G on the plus strand (T>C on the coding strand, the complement: NT5C2 is on the minus strand). VCF-style: chr10-103174915-A-G. GRCh37 (hg19) VCF-style: chr10-104934672-A-G.
Other names: c.44T>C, p.Met15Thr (NM_001134373.3, NM_001351170.2, NM_001351171.2 and 3 more transcripts); c.-174T>C (NM_001351175.2); c.-517T>C (NM_001351176.2); c.-591T>C (NM_001351177.2, NM_001351197.2); c.-615T>C (NM_001351178.2, NM_001351190.2); c.-783T>C (NM_001351179.2, NM_001351182.2); c.-648T>C (NM_001351180.2); c.-364T>C (NM_001351181.2); and 9 more; short protein forms M15T.
Identifiers: ClinVar variation 647147 (VCV000647147.8), dbSNP rs751896016, ClinGen allele CA5671208.

ClinVar aggregate classification (germline): Uncertain significance (1 of 4 stars; one submission).

Conditions:
Hereditary spastic paraplegia 45. Also called: Spastic paraplegia 45, autosomal recessive; SPASTIC PARAPLEGIA 45. Identifiers: Orphanet 320396, MedGen C3888209, MONDO:0013165, OMIM 613162.

Allele frequency attached by ClinVar (database versions not stated): gnomAD exomes 0.00001 and 0.00002; ExAC 0.00002; gnomAD 0.00003 and 0.00004; TOPMed 0.00006.

Submission:

Labcorp Genetics (formerly Invitae), Labcorp
Classification: Uncertain significance for Hereditary spastic paraplegia 45. Last evaluated: 2018-10-08. Review status: criteria provided, single submitter. Criteria: Invitae Variant Classification Sherloc (09022015). Collection method: clinical testing. Allele origin: germline.
Comment: In summary, the available evidence is currently insufficient to determine the role of this variant in disease. Therefore, it has been classified as a Variant of Uncertain Significance. This sequence change replaces methionine with threonine at codon 15 of the NT5C2 protein (p.Met15Thr). The methionine residue is weakly conserved and there is a moderate physicochemical difference between methionine and threonine. This variant is present in population databases (rs751896016, ExAC 0.003%). This variant has not been reported in the literature in individuals with NT5C2-related disease. Algorithms developed to predict the effect of missense changes on protein structure and function (SIFT, PolyPhen-2, Align-GVGD) all suggest that this variant is likely to be tolerated, but these predictions have not been confirmed by published functional studies and their clinical significance is uncertain.